The following is an entry in ClinVar:

NM_000465.4(BARD1):c.1458G>A (p.Leu486=)

Gene: BARD1 (BRCA1 associated RING domain 1; minus strand). Cytogenetic location: 2q35.
Variant type: single nucleotide variant.
Coding change: c.1458G>A on transcript NM_000465.4 (MANE Select); coding-DNA position 1458, G replaced by A.
Protein change: p.Leu486=; no amino-acid change (leucine 486 retained).
Molecular consequence: synonymous variant. On other transcripts: non-coding transcript variant (3), intron variant (3).
Genome position (GRCh38, 1-based): chr2:214,767,592, C>T on the plus strand (G>A on the coding strand, the complement: BARD1 is on the minus strand). VCF-style: chr2-214767592-C-T. GRCh37 (hg19) VCF-style: chr2-215632316-C-T.
Other names: c.1401G>A, p.Leu467= (NM_001282543.2); c.159-15037G>A (NM_001282548.2); c.216-15037G>A (NM_001282545.2); c.364+24705G>A (NM_001282549.2).
Identifiers: ClinVar variation 3378865 (VCV003378865.1).

ClinVar aggregate classification (germline): Benign (1 of 4 stars; one submission).

Conditions:
Familial cancer of breast. Also called: hereditary breast carcinoma; Hereditary breast cancer; BREAST CANCER, FAMILIAL. Identifiers: Orphanet 227535, MedGen C0346153, MONDO:0016419, OMIM 114480. Disease mechanism: loss of function.

Submission:

Myriad Genetics, Inc.
Classification: Benign for Familial cancer of breast. Last evaluated: 2024-07-25. Review status: criteria provided, single submitter. Criteria: Myriad Autosomal Dominant, Autosomal Recessive and X-Linked Classification Criteria (2023). Collection method: clinical testing. Allele origin: unknown.
Comment: This variant is considered benign. This variant is a silent/synonymous amino acid change and it is not expected to impact splicing.